The following is an entry in ClinVar:

ClinVar aggregate classification (germline): Uncertain significance. Review status: criteria provided, multiple submitters, no conflicts (2 of 4 stars). 2 submissions from 2 submitters: Uncertain significance (2). Last evaluated 2022-11-09.

Conditions:
Inborn genetic diseases. Identifiers: MedGen C0950123, MeSH D030342.

Allele frequency attached by ClinVar (database versions not stated): gnomAD exomes below 0.00001; TOPMed below 0.00001.
gnomAD v4.1: 3 of 1,614,198 alleles (0.00019%); highest among the groups gnomAD compares: Non-Finnish European, 0.00025%; no homozygotes.

Submissions (2):

Ambry Genetics
Classification: Uncertain significance for Inborn genetic diseases. Last evaluated: 2022-11-09. Review status: criteria provided, single submitter. Criteria: Ambry Variant Classification Scheme 2023. Collection method: clinical testing. Allele origin: germline.
Comment: The c.4061G>A (p.R1354H) alteration is located in exon 26 (coding exon 25) of the PRPF8 gene. This alteration results from a G to A substitution at nucleotide position 4061, causing the arginine (R) at amino acid position 1354 to be replaced by a histidine (H). This variant was not reported in population-based cohorts in the Genome Aggregation Database (gnomAD). This amino acid position is highly conserved in available vertebrate species. This alteration is predicted to be deleterious by in silico analysis. Based on insufficient or conflicting evidence, the clinical significance of this alteration remains unclear.

Labcorp Genetics (formerly Invitae), Labcorp
Classification: Uncertain significance. Last evaluated: 2021-12-24. Review status: criteria provided, single submitter. Criteria: Invitae Variant Classification Sherloc (09022015). Collection method: clinical testing. Allele origin: germline.
Comment: This variant is not present in population databases (gnomAD no frequency). This sequence change replaces arginine, which is basic and polar, with histidine, which is basic and polar, at codon 1354 of the PRPF8 protein (p.Arg1354His). This variant has not been reported in the literature in individuals affected with PRPF8-related conditions. Algorithms developed to predict the effect of missense changes on protein structure and function are either unavailable or do not agree on the potential impact of this missense change (SIFT: "Deleterious"; PolyPhen-2: "Probably Damaging"; Align-GVGD: "Class C0"). In summary, the available evidence is currently insufficient to determine the role of this variant in disease. Therefore, it has been classified as a Variant of Uncertain Significance.

NM_006445.4(PRPF8):c.4061G>A (p.Arg1354His)

Gene: PRPF8 (pre-mRNA processing factor 8; minus strand). Cytogenetic location: 17p13.3.
Variant type: single nucleotide variant.
Coding change: c.4061G>A on transcript NM_006445.4 (MANE Select); coding-DNA position 4061, G replaced by A.
Protein change: p.Arg1354His; replaces arginine 1354 with histidine.
Molecular consequence: missense variant.
Genome position (GRCh38, 1-based): chr17:1,661,752, C>T on the plus strand (G>A on the coding strand, the complement: PRPF8 is on the minus strand). VCF-style: chr17-1661752-C-T. GRCh37 (hg19) VCF-style: chr17-1565046-C-T.
Other names: short protein forms R1354H.
Identifiers: ClinVar variation 2039363 (VCV002039363.5), dbSNP rs1262452739, ClinGen allele CA397578164.